The following is an entry in ClinVar:

ClinVar aggregate classification (germline): Likely benign (0 of 4 stars; one submission).

Conditions:
SLC38A10-related disorder. Also called: SLC38A10-related condition.

Allele frequency attached by ClinVar (database versions not stated): 1000 Genomes Project 0.00100; 1000 Genomes Project 30x 0.00109; ESP Exome Variant Server 0.00120; gnomAD 0.00166; TOPMed 0.00166.
gnomAD v4.1: 3,573 of 1,608,320 alleles (0.22%); highest among the groups gnomAD compares: Non-Finnish European, 0.26%; 4 homozygotes.

Submission:

PreventionGenetics, part of Exact Sciences
Classification: Likely benign for SLC38A10-related condition. Last evaluated: 2023-05-30. Review status: no assertion criteria provided. Collection method: clinical testing. Allele origin: germline.
Comment: This variant is classified as likely benign based on ACMG/AMP sequence variant interpretation guidelines (Richards et al. 2015 PMID: 25741868, with internal and published modifications).

NM_001037984.3(SLC38A10):c.2065+54C>T

Gene: SLC38A10 (solute carrier family 38 member 10; minus strand). Cytogenetic location: 17q25.3.
Variant type: single nucleotide variant.
Coding change: c.2065+54C>T on transcript NM_001037984.3 (MANE Select); 54 bases into the intron after coding-DNA position 2065, C replaced by T.
Molecular consequence: intron variant. On other transcripts: missense variant (1).
Genome position (GRCh38, 1-based): chr17:81,251,439, G>A on the plus strand (C>T on the coding strand, the complement: SLC38A10 is on the minus strand). VCF-style: chr17-81251439-G-A. GRCh37 (hg19) VCF-style: chr17-79225239-G-A.
Other names: c.2119C>T, p.Leu707Phe (NM_138570.4); short protein forms L707F.
Identifiers: ClinVar variation 3041712 (VCV003041712.2), dbSNP rs200011449, ClinGen allele CA8831733.